The following is an entry in ClinVar:

ClinVar aggregate classification (germline): Uncertain significance (1 of 4 stars; one submission).

Conditions:
Spermatogenic failure 18. Identifiers: MedGen C4539783, MONDO:0054615, OMIM 617576.
Ciliary dyskinesia, primary, 37 (CILD37). Also called: CILIARY DYSKINESIA, PRIMARY, 37, WITH OR WITHOUT SITUS INVERSUS. Identifiers: MedGen C4539798, MONDO:0033204, OMIM 617577.

Allele frequency attached by ClinVar (database versions not stated): gnomAD exomes below 0.00001; gnomAD 0.00001; TOPMed 0.00002.
gnomAD v4.1: 5 of 1,609,640 alleles (0.00031%); highest among the groups gnomAD compares: Non-Finnish European, 0.00025%; no homozygotes.

Submission:

Labcorp Genetics (formerly Invitae), Labcorp
Classification: Uncertain significance for Ciliary dyskinesia, primary, 37; Spermatogenic failure 18. Last evaluated: 2023-11-01. Review status: criteria provided, single submitter. Criteria: Invitae Variant Classification Sherloc (09022015). Collection method: clinical testing. Allele origin: germline.
Comment: This sequence change replaces tyrosine, which is neutral and polar, with histidine, which is basic and polar, at codon 3015 of the DNAH1 protein (p.Tyr3015His). This variant is not present in population databases (gnomAD no frequency). This variant has not been reported in the literature in individuals affected with DNAH1-related conditions. ClinVar contains an entry for this variant (Variation ID: 1047771). Advanced modeling of protein sequence and biophysical properties (such as structural, functional, and spatial information, amino acid conservation, physicochemical variation, residue mobility, and thermodynamic stability) has been performed at Invitae for this missense variant, however the output from this modeling did not meet the statistical confidence thresholds required to predict the impact of this variant on DNAH1 protein function. In summary, the available evidence is currently insufficient to determine the role of this variant in disease. Therefore, it has been classified as a Variant of Uncertain Significance.

NM_015512.5(DNAH1):c.9043T>C (p.Tyr3015His)

Gene: DNAH1 (dynein axonemal heavy chain 1; plus strand). Cytogenetic location: 3p21.1.
Variant type: single nucleotide variant.
Coding change: c.9043T>C on transcript NM_015512.5 (MANE Select); coding-DNA position 9043, T replaced by C.
Protein change: p.Tyr3015His; replaces tyrosine 3015 with histidine.
Molecular consequence: missense variant.
Genome position (GRCh38, 1-based): chr3:52,388,206, T>C. VCF-style: chr3-52388206-T-C. GRCh37 (hg19) VCF-style: chr3-52422222-T-C.
Other names: short protein forms Y3015H.
Identifiers: ClinVar variation 1047771 (VCV001047771.3), dbSNP rs998821696, ClinGen allele CA74776497.